The following is an entry in ClinVar:

NC_000007.13:g.(?_6026370)_(6037074_?)del

Gene: PMS2 (PMS1 homolog 2, mismatch repair system component; minus strand). Cytogenetic location: 7p22.1.
Variant type: Deletion.
Identifiers: ClinVar variation 2423257 (VCV002423257.3).

ClinVar aggregate classification (germline): Pathogenic (1 of 4 stars; one submission).

Conditions:
Hereditary nonpolyposis colorectal neoplasms. Identifiers: MedGen C0009405, MeSH D003123.

Submission:

Labcorp Genetics (formerly Invitae), Labcorp
Classification: Pathogenic for Hereditary nonpolyposis colorectal neoplasms. Last evaluated: 2022-06-15. Review status: criteria provided, single submitter. Criteria: Invitae Variant Classification Sherloc (09022015). Collection method: clinical testing. Allele origin: germline.
Comment: This variant is a gross deletion of the genomic region encompassing exon(s) 7-15 of the PMS2 gene, which includes the termination codon. This deletion extends beyond the assayed region for this gene and therefore may encompass additional genes. While this deletion is not anticipated to lead to nonsense mediated decay, it is expected to alter mRNA translation or result in a truncated protein product. This variant has not been reported in the literature in individuals affected with PMS2-related conditions. This variant disrupts a region of the PMS2 protein in which other variant(s) (p.Glu705Lys) have been determined to be pathogenic (PMID: 16873062, 17029773, 17567544, 20176959, 20624957, 22290698, 24027009, 26318770; Invitae). This suggests that this is a clinically significant region of the protein, and that variants that disrupt it are likely to be disease-causing. For these reasons, this variant has been classified as Pathogenic.

Literature cited by the submitters: PubMed 16873062; PubMed 17029773; PubMed 17567544; PubMed 20176959; PubMed 20624957; PubMed 22290698; PubMed 24027009; PubMed 26318770.